The following is an entry in ClinVar:

NM_001129.5(AEBP1):c.560C>G (p.Pro187Arg)

Gene: AEBP1 (AE binding protein 1; plus strand). Cytogenetic location: 7p13.
Variant type: single nucleotide variant.
Coding change: c.560C>G on transcript NM_001129.5 (MANE Select); coding-DNA position 560, C replaced by G.
Protein change: p.Pro187Arg; replaces proline 187 with arginine.
Molecular consequence: missense variant.
Genome position (GRCh38, 1-based): chr7:44,106,852, C>G. VCF-style: chr7-44106852-C-G. GRCh37 (hg19) VCF-style: chr7-44146451-C-G.
Other names: p.Pro187Arg; short protein forms P187R.
Identifiers: ClinVar variation 736843 (VCV000736843.47), dbSNP rs200193837, ClinGen allele CA4237502.

ClinVar aggregate classification (germline): Benign/Likely benign. Review status: criteria provided, multiple submitters, no conflicts (2 of 4 stars). 5 submissions from 5 submitters: Benign (3); Likely benign (2). Last evaluated 2026-04-07.

Allele frequency attached by ClinVar (database versions not stated): 1000 Genomes Project 30x 0.00062; 1000 Genomes Project 0.00080; TOPMed 0.00129; ESP Exome Variant Server 0.00132; gnomAD 0.00453.
gnomAD v4.1: 5,186 of 1,598,418 alleles (0.32%); highest among the groups gnomAD compares: South Asian, 0.39%; 27 homozygotes.

Submissions (5):

Women's Health and Genetics/Laboratory Corporation of America, LabCorp
Classification: Likely benign. Last evaluated: 2026-04-07. Review status: criteria provided, single submitter. Criteria: LabCorp Variant Classification Summary - May 2015. Collection method: clinical testing. Allele origin: germline.

CeGaT Center for Human Genetics Tuebingen
Classification: Likely benign. Last evaluated: 2026-04-01. Review status: criteria provided, single submitter. Criteria: CeGaT Center For Human Genetics Tuebingen Variant Classification Criteria Version 2. Collection method: clinical testing. Allele origin: germline. Affected: yes. Observed: 8 variant alleles.
Comment: AEBP1: BS2

Labcorp Genetics (formerly Invitae), Labcorp
Classification: Benign. Last evaluated: 2026-02-04. Review status: criteria provided, single submitter. Criteria: Invitae Variant Classification Sherloc (09022015). Collection method: clinical testing. Allele origin: germline.

Mayo Clinic Laboratories, Mayo Clinic
Classification: Benign. Last evaluated: 2023-04-25. Review status: criteria provided, single submitter. Criteria: ACMG Guidelines, 2015. Collection method: clinical testing. Allele origin: germline. Observed: 13 variant alleles.
Comment: BS1, BS2, BP4

GeneDx
Classification: Benign. Last evaluated: 2020-12-31. Review status: criteria provided, single submitter. Criteria: GeneDx Variant Classification Process June 2021. Collection method: clinical testing. Allele origin: germline. Affected: yes.